The following is an entry in ClinVar:

ClinVar aggregate classification (germline): Uncertain significance (1 of 4 stars; one submission).

Submission:

Labcorp Genetics (formerly Invitae), Labcorp
Classification: Uncertain significance. Last evaluated: 2022-04-02. Review status: criteria provided, single submitter. Criteria: Invitae Variant Classification Sherloc (09022015). Collection method: clinical testing. Allele origin: germline.
Comment: This sequence change replaces serine, which is neutral and polar, with asparagine, which is neutral and polar, at codon 203 of the CFD protein (p.Ser203Asn). In summary, the available evidence is currently insufficient to determine the role of this variant in disease. Therefore, it has been classified as a Variant of Uncertain Significance. Algorithms developed to predict the effect of missense changes on protein structure and function are either unavailable or do not agree on the potential impact of this missense change (SIFT: "Not Available"; PolyPhen-2: "Possibly Damaging"; Align-GVGD: "Not Available"). This variant has not been reported in the literature in individuals affected with CFD-related conditions. This variant is not present in population databases (gnomAD no frequency).

NM_001928.4(CFD):c.608G>A (p.Ser203Asn)

Gene: CFD (complement factor D; plus strand). Cytogenetic location: 19p13.3.
Variant type: single nucleotide variant.
Coding change: c.608G>A on transcript NM_001928.4 (MANE Select); coding-DNA position 608, G replaced by A.
Protein change: p.Ser203Asn; replaces serine 203 with asparagine.
Molecular consequence: missense variant.
Genome position (GRCh38, 1-based): chr19:861,949, G>A. VCF-style: chr19-861949-G-A. GRCh37 (hg19) VCF-style: chr19-861949-G-A.
Other names: c.629G>A, p.Ser210Asn (NM_001317335.2); short protein forms S203N, S210N.
Identifiers: ClinVar variation 2103584 (VCV002103584.4), dbSNP rs1468877587, ClinGen allele CA402923231.